The following is an entry in ClinVar:

ClinVar aggregate classification (germline): Likely pathogenic (1 of 4 stars; one submission).

Conditions:
Hereditary nonpolyposis colon cancer (HNPCC). Also called: Hereditary Nonpolyposis Colorectal Cancer Syndrome; Hereditary nonpolyposis colorectal cancer; Familial nonpolyposis colon cancer. Identifiers: Orphanet 443909, MedGen C1333990, MONDO:0018630. Disease mechanism: loss of function.

Submission:

Women's Health and Genetics/Laboratory Corporation of America, LabCorp
Classification: Likely pathogenic for Hereditary nonpolyposis colon cancer. Last evaluated: 2022-12-23. Review status: criteria provided, single submitter. Criteria: LabCorp Variant Classification Summary - May 2015. Collection method: clinical testing. Allele origin: germline.
Comment: Variant summary: The variant identified by MLPA or other technology involves the deletion of exons 7-15 in the PMS2 gene. The exact breakpoint at the 3' end of this variant is unknown and therefore this deletion might extend beyond the assayed region of the PMS2 gene. A presumed nomenclature of c.(705+1_706-1)_(*2475_?)del has been designated for the purposes of this classification. The variant was absent in 21694 control chromosomes (gnomAD Structural Variants dataset). To our knowledge, no occurrence of c.(705+1_706-1)_(*2475_?)del in individuals affected with Lynch Syndrome and no experimental evidence demonstrating its impact on protein function have been reported. However, similar gross deletions of exons 6-15 (HGMD: CG1511957; PMID: 26544533, 28135145) and exons 7-14 (HGMD: CG1310021; PMID: 23582141) have been previously identified as pathogenic. No clinical diagnostic laboratories have submitted clinical-significance assessments for this variant to ClinVar after 2014. Based on the evidence outlined above, the variant was classified as likely pathogenic.

NC_000007.13:g.(?_6010555)_(6037055_6038738)del

Gene: PMS2 (PMS1 homolog 2, mismatch repair system component; minus strand). Cytogenetic location: 7p22.1.
Variant type: Deletion.
Identifiers: ClinVar variation 1878374 (VCV001878374.1).